The following is an entry in ClinVar:

ClinVar aggregate classification (germline): Pathogenic (1 of 4 stars; one submission).

Submission:

Labcorp Genetics (formerly Invitae), Labcorp
Classification: Pathogenic. Last evaluated: 2024-07-23. Review status: criteria provided, single submitter. Criteria: Invitae Variant Classification Sherloc (09022015). Collection method: clinical testing. Allele origin: germline.
Comment: This sequence change creates a premature translational stop signal (p.Lys633Serfs*19) in the CNGB1 gene. It is expected to result in an absent or disrupted protein product. Loss-of-function variants in CNGB1 are known to be pathogenic (PMID: 15557452, 24043777). This variant is not present in population databases (gnomAD no frequency). This variant has not been reported in the literature in individuals affected with CNGB1-related conditions. For these reasons, this variant has been classified as Pathogenic.

Literature cited by the submitters: PubMed 15557452; PubMed 24043777.

NM_001297.5(CNGB1):c.1898del (p.Lys633fs)

Gene: CNGB1 (cyclic nucleotide gated channel subunit beta 1; minus strand). Cytogenetic location: 16q21.
Variant type: Deletion.
Coding change: c.1898del on transcript NM_001297.5 (MANE Select); coding-DNA position 1898, one base deleted (A; older notation c.1898delA).
Protein change: p.Lys633fs; shifts the reading frame from lysine 633.
Molecular consequence: frameshift variant.
Genome position (GRCh38, 1-based): chr16:57,919,158, T deleted on the plus strand (A on the coding strand, the reverse complement: CNGB1 is on the minus strand); the first of 2 consecutive T bases (chr16:57,919,158-57,919,159); deleting either gives the same sequence. VCF-style (leftmost placement, unchanged base first): chr16-57919157-CT-C. GRCh37 (hg19) VCF-style: chr16-57953061-CT-C.
Other names: c.1880del, p.Lys627fs (NM_001286130.2); short protein forms K627fs, K633fs.
Identifiers: ClinVar variation 3660375 (VCV003660375.2).